The following is an entry in ClinVar:

NM_000053.4(ATP7B):c.445G>A (p.Val149Met)

Gene: ATP7B (ATPase copper transporting beta; minus strand). Cytogenetic location: 13q14.3.
Variant type: single nucleotide variant.
Coding change: c.445G>A on transcript NM_000053.4 (MANE Select); coding-DNA position 445, G replaced by A.
Protein change: p.Val149Met; replaces valine 149 with methionine.
Molecular consequence: missense variant.
Genome position (GRCh38, 1-based): chr13:51,974,775, C>T on the plus strand (G>A on the coding strand, the complement: ATP7B is on the minus strand). VCF-style: chr13-51974775-C-T. GRCh37 (hg19) VCF-style: chr13-52548911-C-T.
Other names: p.Val149Met; c.445G>A, p.Val149Met (NM_001005918.3, NM_001243182.2, NM_001330578.2 and 1 more transcripts); short protein forms V149M.
Identifiers: ClinVar variation 495422 (VCV000495422.30), dbSNP rs200606656, ClinGen allele CA6989561.

ClinVar aggregate classification (germline): Conflicting classifications of pathogenicity. Review status: criteria provided, conflicting classifications (1 of 4 stars). 10 submissions from 10 submitters: Uncertain significance (8); Likely benign (1). 1 of the submissions does not count toward it. Last evaluated 2026-01-20.

Conditions:
Wilson disease (WND). Also called: Wilson's disease. Identifiers: Orphanet 905, MedGen C0019202, MONDO:0010200, OMIM 277900. Disease mechanism: loss of function.
Inborn genetic diseases. Identifiers: MedGen C0950123, MeSH D030342.

Allele frequency attached by ClinVar (database versions not stated): gnomAD 0.00016; gnomAD exomes 0.00023 and 0.00015; ESP Exome Variant Server 0.00016; ExAC 0.00019; TOPMed 0.00019.
gnomAD v4.1: 267 of 1,614,042 alleles (0.017%); highest among the groups gnomAD compares: Middle Eastern, 0.033%; no homozygotes.

Submissions (10):

Labcorp Genetics (formerly Invitae), Labcorp
Classification: Likely benign for Wilson disease. Last evaluated: 2026-01-20. Review status: criteria provided, single submitter. Criteria: Invitae Variant Classification Sherloc (09022015). Collection method: clinical testing. Allele origin: germline.

Women's Health and Genetics/Laboratory Corporation of America, LabCorp
Classification: Uncertain significance. Last evaluated: 2025-12-19. Review status: criteria provided, single submitter. Criteria: LabCorp Variant Classification Summary - May 2015. Collection method: clinical testing. Allele origin: germline.
Comment: Variant summary: ATP7B c.445G>A (p.Val149Met) results in a conservative amino acid change in the encoded protein sequence. The variant allele was found at a frequency of 0.00023 in 249266 control chromosomes. This frequency is not significantly higher than estimated for disease-causing variants in ATP7B, allowing no conclusion about variant significance. c.445G>A has been observed in individual from a neutropenia cohort (Grossi_2025). This report does not provide unequivocal conclusions about association of the variant with Wilson Disease. At least one publication reports experimental evidence evaluating an impact on protein function, however, it does not allow convincing conclusions about the variant effect (Calvo_2025). The following publications have been ascertained in the context of this evaluation (PMID: 40661833, 40725177). ClinVar contains an entry for this variant (Variation ID: 495422). Based on the evidence outlined above, the variant was classified as uncertain significance.

Mayo Clinic Laboratories, Mayo Clinic
Classification: Uncertain significance. Last evaluated: 2025-10-08. Review status: criteria provided, single submitter. Criteria: ACMG Guidelines, 2015. Collection method: clinical testing. Allele origin: germline. Observed: 2 variant alleles.
Comment: BS1, PP3

GeneDx
Classification: Uncertain significance. Last evaluated: 2025-07-20. Review status: criteria provided, single submitter. Criteria: GeneDx Variant Classification Process June 2021. Collection method: clinical testing. Allele origin: germline.
Comment: Published functional studies demonstrate p.V149M negatively affects function with a potentially mild effect (PMID: 40661833); In silico analysis supports that this missense variant has a deleterious effect on protein structure/function; This variant is associated with the following publications: (PMID: 40661833)

Color Diagnostics, LLC DBA Color Health
Classification: Uncertain significance for Wilson disease. Last evaluated: 2025-06-05. Review status: criteria provided, single submitter. Criteria: ACMG Guidelines, 2015. Collection method: clinical testing. Allele origin: germline.
Comment: This missense variant replaces valine with methionine at codon 149 of the ATP7B protein. Computational prediction suggests that this variant may have a deleterious impact on protein structure and function. To our knowledge, functional studies have not been reported for this variant. This variant has not been reported in individuals affected with ATP7B-related disorders in the literature. This variant has been identified in 61/280652 chromosomes in the general population by the Genome Aggregation Database (gnomAD). The elevated variant allele frequency in the general population indicates that this variant may not be disease-causing. However, additional studies are necessary to determine the role of this variant in disease conclusively. Therefore, this variant is classified as a Variant of Uncertain Significance.

Revvity Omics, Revvity
Classification: Uncertain significance for Wilson disease. Last evaluated: 2023-08-01. Review status: criteria provided, single submitter. Criteria: ACMG Guidelines, 2015. Collection method: clinical testing. Allele origin: germline.

Genome-Nilou Lab
Classification: Uncertain significance for Wilson disease. Last evaluated: 2021-08-10. Review status: criteria provided, single submitter. Criteria: ACMG Guidelines, 2015. Collection method: clinical testing. Allele origin: germline. Affected: no.

Ambry Genetics
Classification: Uncertain significance for Inborn genetic diseases. Last evaluated: 2021-05-16. Review status: criteria provided, single submitter. Criteria: Ambry Variant Classification Scheme 2023. Collection method: clinical testing. Allele origin: germline.

Illumina Laboratory Services, Illumina
Classification: Uncertain significance for Wilson disease. Last evaluated: 2017-04-28. Review status: criteria provided, single submitter. Criteria: ICSL Variant Classification Criteria 13 December 2019. Collection method: clinical testing. Allele origin: germline.

Natera, Inc.
Classification: Uncertain significance for Wilson disease. Last evaluated: 2020-04-15. Review status: no assertion criteria provided. Collection method: clinical testing. Allele origin: germline. Not counted in ClinVar's aggregate classification.

Literature cited by the submitters: PubMed 40661833 (cited by Women's Health and Genetics/Laboratory Corporation of America, LabCorp and Mayo Clinic Laboratories, Mayo Clinic); PubMed 40725177 (cited by Women's Health and Genetics/Laboratory Corporation of America, LabCorp).